The following is an entry in ClinVar:

ClinVar aggregate classification (germline): Uncertain significance. Review status: criteria provided, multiple submitters, no conflicts (2 of 4 stars). 3 submissions from 3 submitters: Uncertain significance (3). Last evaluated 2025-11-10.

Conditions:
Inborn genetic diseases. Identifiers: MedGen C0950123, MeSH D030342.

Allele frequency attached by ClinVar (database versions not stated): gnomAD exomes 0.00001; TOPMed 0.00002; gnomAD 0.00003; ExAC 0.00004; 1000 Genomes Project 0.00020; 1000 Genomes Project 30x 0.00031.

Submissions (3):

Labcorp Genetics (formerly Invitae), Labcorp
Classification: Uncertain significance. Last evaluated: 2025-11-10. Review status: criteria provided, single submitter. Criteria: Invitae Variant Classification Sherloc (09022015). Collection method: clinical testing. Allele origin: germline.
Comment: This sequence change replaces arginine, which is basic and polar, with glutamine, which is neutral and polar, at codon 1852 of the C2CD3 protein (p.Arg1852Gln). This variant is present in population databases (rs181373128, gnomAD 0.02%). This variant has not been reported in the literature in individuals affected with C2CD3-related conditions. ClinVar contains an entry for this variant (Variation ID: 1801009). Invitae Evidence Modeling of protein sequence and biophysical properties (such as structural, functional, and spatial information, amino acid conservation, physicochemical variation, residue mobility, and thermodynamic stability) indicates that this missense variant is expected to disrupt C2CD3 protein function with a positive predictive value of 80%. In summary, the available evidence is currently insufficient to determine the role of this variant in disease. Therefore, it has been classified as a Variant of Uncertain Significance.

GeneDx
Classification: Uncertain significance. Last evaluated: 2022-05-25. Review status: criteria provided, single submitter. Criteria: GeneDx Variant Classification Process June 2021. Collection method: clinical testing. Allele origin: germline. Affected: yes.
Comment: In silico analysis supports that this missense variant does not alter protein structure/function; Has not been previously published as pathogenic or benign to our knowledge

Ambry Genetics
Classification: Uncertain significance for Inborn genetic diseases. Last evaluated: 2021-08-02. Review status: criteria provided, single submitter. Criteria: Ambry Variant Classification Scheme 2023. Collection method: clinical testing. Allele origin: germline.

NM_001286577.2(C2CD3):c.5555G>A (p.Arg1852Gln)

Gene: C2CD3 (C2 domain containing 3 centriole elongation regulator; minus strand). Cytogenetic location: 11q13.4.
Variant type: single nucleotide variant.
Coding change: c.5555G>A on transcript NM_001286577.2 (MANE Select); coding-DNA position 5555, G replaced by A.
Protein change: p.Arg1852Gln; replaces arginine 1852 with glutamine.
Molecular consequence: missense variant.
Genome position (GRCh38, 1-based): chr11:74,042,159, C>T on the plus strand (G>A on the coding strand, the complement: C2CD3 is on the minus strand). VCF-style: chr11-74042159-C-T. GRCh37 (hg19) VCF-style: chr11-73753204-C-T.
Other names: c.5555G>A, p.Arg1852Gln (NM_015531.6); c.5555G>A (NM_015531.4); short protein forms R1852Q.
Identifiers: ClinVar variation 1801009 (VCV001801009.5), dbSNP rs181373128, ClinGen allele CA6181835.